The following is an entry in ClinVar:

NM_198253.3(TERT):c.1186C>G (p.Leu396Val)

Gene: TERT (telomerase reverse transcriptase; minus strand). Cytogenetic location: 5p15.33.
Variant type: single nucleotide variant.
Coding change: c.1186C>G on transcript NM_198253.3 (MANE Select); coding-DNA position 1186, C replaced by G.
Protein change: p.Leu396Val; replaces leucine 396 with valine.
Molecular consequence: missense variant. On other transcripts: non-coding transcript variant (2).
Genome position (GRCh38, 1-based): chr5:1,293,700, G>C on the plus strand (C>G on the coding strand, the complement: TERT is on the minus strand). VCF-style: chr5-1293700-G-C. GRCh37 (hg19) VCF-style: chr5-1293815-G-C.
Other names: c.1186C>G, p.Leu396Val (NM_001193376.3, NM_003219.1); short protein forms L396V.
Identifiers: ClinVar variation 1743508 (VCV001743508.3), dbSNP rs1751152532, ClinGen allele CA359086609.

ClinVar aggregate classification (germline): Uncertain significance (1 of 4 stars; one submission).

Conditions:
Dyskeratosis congenita. Identifiers: Orphanet 1775, MedGen C0265965, MONDO:0015780.

Submission:

Ambry Genetics
Classification: Uncertain significance for Dyskeratosis congenita. Last evaluated: 2025-09-16. Review status: criteria provided, single submitter. Criteria: Ambry Variant Classification Scheme 2023. Collection method: clinical testing. Allele origin: germline.
Comment: The p.L396V variant (also known as c.1186C>G), located in coding exon 2 of the TERT gene, results from a C to G substitution at nucleotide position 1186. The leucine at codon 396 is replaced by valine, an amino acid with highly similar properties. This amino acid position is conserved. In addition, the in silico prediction for this alteration is inconclusive. Based on the available evidence, the clinical significance of this variant remains unclear.